The following is an entry in ClinVar:

NM_016938.5(EFEMP2):c.96G>T (p.Glu32Asp)

Gene: EFEMP2 (EGF-like fibulin extracellular matrix protein 2; minus strand). Cytogenetic location: 11q13.1.
Variant type: single nucleotide variant.
Coding change: c.96G>T on transcript NM_016938.5 (MANE Select); coding-DNA position 96, G replaced by T.
Protein change: p.Glu32Asp; replaces glutamic acid 32 with aspartic acid.
Molecular consequence: missense variant. On other transcripts: non-coding transcript variant (1).
Genome position (GRCh38, 1-based): chr11:65,872,259, C>A on the plus strand (G>T on the coding strand, the complement: EFEMP2 is on the minus strand). VCF-style: chr11-65872259-C-A. GRCh37 (hg19) VCF-style: chr11-65639730-C-A.
Other names: short protein forms E32D.
Identifiers: ClinVar variation 1014764 (VCV001014764.11), dbSNP rs1011011078, ClinGen allele CA223979305.

ClinVar aggregate classification (germline): Uncertain significance. Review status: criteria provided, multiple submitters, no conflicts (2 of 4 stars). 2 submissions from 2 submitters: Uncertain significance (2). Last evaluated 2025-03-22.

Conditions:
Cardiovascular phenotype. Identifiers: MedGen CN230736.
Cutis laxa, autosomal recessive, type 1B (ARCL1B). Also called: CUTIS LAXA, AUTOSOMAL RECESSIVE, TYPE IB; EFEMP2-Related Cutis Laxa. Identifiers: Orphanet 90349, MedGen C3280798, MONDO:0013754, OMIM 614437. Disease mechanism: loss of function.

Allele frequency attached by ClinVar (database versions not stated): gnomAD 0.00001; gnomAD exomes 0.00001; TOPMed 0.00001.
gnomAD v4.1: 15 of 1,551,482 alleles (0.00097%); highest among the groups gnomAD compares: Middle Eastern, 0.017%; no homozygotes.

Submissions (2):

Ambry Genetics
Classification: Uncertain significance for Cardiovascular phenotype. Last evaluated: 2025-03-22. Review status: criteria provided, single submitter. Criteria: Ambry Variant Classification Scheme 2023. Collection method: clinical testing. Allele origin: germline.

Labcorp Genetics (formerly Invitae), Labcorp
Classification: Uncertain significance for Cutis laxa, autosomal recessive, type 1B. Last evaluated: 2020-07-20. Review status: criteria provided, single submitter. Criteria: Invitae Variant Classification Sherloc (09022015). Collection method: clinical testing. Allele origin: germline.
Comment: In summary, the available evidence is currently insufficient to determine the role of this variant in disease. Therefore, it has been classified as a Variant of Uncertain Significance. Algorithms developed to predict the effect of missense changes on protein structure and function are either unavailable or do not agree on the potential impact of this missense change (SIFT: "Deleterious"; PolyPhen-2: "Possibly Damaging"; Align-GVGD: "Class C0"). This variant has not been reported in the literature in individuals with EFEMP2-related conditions. This variant is not present in population databases (ExAC no frequency). This sequence change replaces glutamic acid with aspartic acid at codon 32 of the EFEMP2 protein (p.Glu32Asp). The glutamic acid residue is highly conserved and there is a small physicochemical difference between glutamic acid and aspartic acid.